The following is an entry in ClinVar:

ClinVar aggregate classification (germline): Likely benign (0 of 4 stars; one submission).

Conditions:
MKS1-related disorder. Also called: MKS1-related condition; MKS1-related disorders. Identifiers: MedGen CN239382.

Submission:

PreventionGenetics, part of Exact Sciences
Classification: Likely benign for MKS1-related condition. Last evaluated: 2024-09-13. Review status: no assertion criteria provided. Collection method: clinical testing. Allele origin: germline.
Comment: This variant is classified as likely benign based on ACMG/AMP sequence variant interpretation guidelines (Richards et al. 2015 PMID: 25741868, with internal and published modifications).

NM_017777.4(MKS1):c.1455T>C (p.Thr485=)

Gene: MKS1 (MKS transition zone complex subunit 1; minus strand). Cytogenetic location: 17q22.
Variant type: single nucleotide variant.
Coding change: c.1455T>C on transcript NM_017777.4 (MANE Select); coding-DNA position 1455, T replaced by C.
Protein change: p.Thr485=; no amino-acid change (threonine 485 retained).
Molecular consequence: synonymous variant. On other transcripts: intron variant (2).
Genome position (GRCh38, 1-based): chr17:58,206,500, A>G on the plus strand (T>C on the coding strand, the complement: MKS1 is on the minus strand). VCF-style: chr17-58206500-A-G. GRCh37 (hg19) VCF-style: chr17-56283861-A-G.
Other names: c.846T>C, p.Thr282= (NM_001321268.2); c.1274-120T>C (NM_001330397.2); c.1408-120T>C (NM_001321269.2).
Identifiers: ClinVar variation 3347547 (VCV003347547.1).